The following is an entry in ClinVar:

ClinVar aggregate classification (germline): Likely benign (1 of 4 stars; one submission).

Allele frequency attached by ClinVar (database versions not stated): gnomAD exomes below 0.00001.
gnomAD v4.1: 1 of 1,611,256 alleles (0.000062%); highest among the groups gnomAD compares: Non-Finnish European, 0.000085%; no homozygotes.

Submission:

CeGaT Center for Human Genetics Tuebingen
Classification: Likely benign. Last evaluated: 2025-06-01. Review status: criteria provided, single submitter. Criteria: CeGaT Center For Human Genetics Tuebingen Variant Classification Criteria Version 2. Collection method: clinical testing. Allele origin: germline. Affected: yes. Observed: 2 variant alleles.
Comment: ARPC1B: BP4, BP7

NM_005720.4(ARPC1B):c.33C>T (p.Ile11=)

Gene: ARPC1B (actin related protein 2/3 complex subunit 1B; plus strand). Cytogenetic location: 7q22.1.
Variant type: single nucleotide variant.
Coding change: c.33C>T on transcript NM_005720.4 (MANE Select); coding-DNA position 33, C replaced by T.
Protein change: p.Ile11=; no amino-acid change (isoleucine 11 retained).
Molecular consequence: synonymous variant.
Genome position (GRCh38, 1-based): chr7:99,385,747, C>T. VCF-style: chr7-99385747-C-T. GRCh37 (hg19) VCF-style: chr7-98983370-C-T.
Identifiers: ClinVar variation 2657719 (VCV002657719.24), dbSNP rs1166779743, ClinGen allele CA456665721.